The following is an entry in ClinVar:

NM_001394062.1(MACF1):c.1132-1G>T

Gene: MACF1 (microtubule actin crosslinking factor 1; plus strand). Cytogenetic location: 1p34.3.
Variant type: single nucleotide variant.
Coding change: c.1132-1G>T on transcript NM_001394062.1 (MANE Select); the canonical splice acceptor site of the intron before coding-DNA position 1132, G replaced by T.
Molecular consequence: splice acceptor variant.
Genome position (GRCh38, 1-based): chr1:39,285,082, G>T. VCF-style: chr1-39285082-G-T. GRCh37 (hg19) VCF-style: chr1-39750754-G-T.
Other names: c.1147-1G>T (NM_012090.5).
Identifiers: ClinVar variation 3369133 (VCV003369133.1).
Genomic context (GRCh38, chr1:39,285,082, plus strand): 5'-AATCAAAACTGGGACAAGAGGGCATGGCTGTGTTTTTGGACTGAAAGAGTATCTGTTTCA[G>T]GTGTGGATTGAATTTGGCCGAATTAAACTGCCTCAAGGTTATCACCCTAATGATGTGGAA-3'

ClinVar aggregate classification (germline): Uncertain significance (1 of 4 stars; one submission).

Submission:

GeneDx
Classification: Uncertain significance. Last evaluated: 2024-02-14. Review status: criteria provided, single submitter. Criteria: GeneDx Variant Classification Process June 2021. Collection method: clinical testing. Allele origin: germline. Affected: yes.
Comment: Canonical splice site variant in a gene or region of a gene for which loss of function is not a well-established mechanism of disease; Not observed at significant frequency in large population cohorts (gnomAD); Has not been previously published as pathogenic or benign to our knowledge